The following is an entry in ClinVar:

NM_003068.5(SNAI2):c.35A>G (p.Asn12Ser)

Gene: SNAI2 (snail family transcriptional repressor 2; minus strand). Cytogenetic location: 8q11.21.
Variant type: single nucleotide variant.
Coding change: c.35A>G on transcript NM_003068.5 (MANE Select); coding-DNA position 35, A replaced by G.
Protein change: p.Asn12Ser; replaces asparagine 12 with serine.
Molecular consequence: missense variant.
Genome position (GRCh38, 1-based): chr8:48,921,231, T>C on the plus strand (A>G on the coding strand, the complement: SNAI2 is on the minus strand). VCF-style: chr8-48921231-T-C. GRCh37 (hg19) VCF-style: chr8-49833790-T-C.
Other names: short protein forms N12S.
Identifiers: ClinVar variation 1490583 (VCV001490583.3), dbSNP rs781159401, ClinGen allele CA4743567.
Genomic context (GRCh38, chr8:48,921,231, plus strand): 5'-ATTTTTCTCTTTTTACCTGTATGTGTGTCCAGTTCGCTGTAGTTTGGCTTTTTGGAGGCG[T>C]TGAAATGCTTCTTGACCAGGAAGGAGCGCGGCATCTTGCCAGCGGGTCTGGCGGGCGCCC-3'
Protein context (NP_003059.1, residues 2-22): PRSFLVKKHF[Asn12Ser]ASKKPNYSEL

ClinVar aggregate classification (germline): Uncertain significance (1 of 4 stars; one submission).

Allele frequency attached by ClinVar (database versions not stated): TOPMed below 0.00001; ExAC 0.00001; gnomAD 0.00001; gnomAD exomes 0.00001.

Submission:

Labcorp Genetics (formerly Invitae), Labcorp
Classification: Uncertain significance. Last evaluated: 2021-11-02. Review status: criteria provided, single submitter. Criteria: Invitae Variant Classification Sherloc (09022015). Collection method: clinical testing. Allele origin: germline.
Comment: This sequence change replaces asparagine, which is neutral and polar, with serine, which is neutral and polar, at codon 12 of the SNAI2 protein (p.Asn12Ser). This variant is present in population databases (rs781159401, gnomAD 0.002%). This variant has not been reported in the literature in individuals affected with SNAI2-related conditions. Algorithms developed to predict the effect of missense changes on protein structure and function are either unavailable or do not agree on the potential impact of this missense change (SIFT: "Deleterious"; PolyPhen-2: "Benign"; Align-GVGD: "Class C0"). In summary, the available evidence is currently insufficient to determine the role of this variant in disease. Therefore, it has been classified as a Variant of Uncertain Significance.